The following is an entry in ClinVar:

ClinVar aggregate classification (germline): Uncertain significance (1 of 4 stars; one submission).

Allele frequency attached by ClinVar (database versions not stated): TOPMed below 0.00001.

Submission:

Labcorp Genetics (formerly Invitae), Labcorp
Classification: Uncertain significance. Last evaluated: 2022-10-16. Review status: criteria provided, single submitter. Criteria: Invitae Variant Classification Sherloc (09022015). Collection method: clinical testing. Allele origin: germline.
Comment: This variant has not been reported in the literature in individuals affected with COL2A1-related conditions. Variants that disrupt the consensus splice site are a relatively common cause of aberrant splicing (PMID: 17576681, 9536098). Algorithms developed to predict the effect of sequence changes on RNA splicing suggest that this variant is not likely to affect RNA splicing. In summary, the available evidence is currently insufficient to determine the role of this variant in disease. Therefore, it has been classified as a Variant of Uncertain Significance. This sequence change falls in intron 13 of the COL2A1 gene. It does not directly change the encoded amino acid sequence of the COL2A1 protein. It affects a nucleotide within the consensus splice site. This variant is not present in population databases (gnomAD no frequency).

Literature cited by the submitters: PubMed 17576681; PubMed 9536098.

NM_001844.5(COL2A1):c.870+3A>G

Gene: COL2A1 (collagen type II alpha 1 chain; minus strand). Cytogenetic location: 12q13.11.
Variant type: single nucleotide variant.
Coding change: c.870+3A>G on transcript NM_001844.5 (MANE Select); 3 bases into the intron after coding-DNA position 870, A replaced by G.
Molecular consequence: intron variant.
Genome position (GRCh38, 1-based): chr12:47,993,991, T>C on the plus strand (A>G on the coding strand, the complement: COL2A1 is on the minus strand). VCF-style: chr12-47993991-T-C. GRCh37 (hg19) VCF-style: chr12-48387774-T-C.
Other names: c.663+3A>G (NM_033150.3).
Identifiers: ClinVar variation 2035788 (VCV002035788.4), dbSNP rs1939829148, ClinGen allele CA2034477707.